The following is an entry in ClinVar:

NM_173076.3(ABCA12):c.7104+5G>A

Genes: ABCA12 (ATP binding cassette subfamily A member 12; minus strand), SNHG31 (small nucleolar RNA host gene 31; plus strand). Cytogenetic location: 2q35.
Variant type: single nucleotide variant.
Coding change: c.7104+5G>A on transcript NM_173076.3 (MANE Select); 5 bases into the intron after coding-DNA position 7104, G replaced by A.
Molecular consequence: intron variant.
Genome position (GRCh38, 1-based): chr2:214,948,591, C>T on the plus strand (G>A on the coding strand, the complement: ABCA12 is on the minus strand). VCF-style: chr2-214948591-C-T. GRCh37 (hg19) VCF-style: chr2-215813315-C-T.
Other names: c.6150+5G>A (NM_015657.4).
Identifiers: ClinVar variation 2413184 (VCV002413184.5), dbSNP rs752634855, ClinGen allele CA2580065583.

ClinVar aggregate classification (germline): Uncertain significance (1 of 4 stars; one submission).

Conditions:
Autosomal recessive congenital ichthyosis 4B (ARCI4B). Also called: ICHTHYOSIS CONGENITA, HARLEQUIN FETUS TYPE; Ichthyosis, congenital, autosomal recessive 4B (harlequin); HARLEQUIN ICHTHYOSIS; Harlequin Fetus. Identifiers: Orphanet 457, MedGen C0598226, MONDO:0009443, OMIM 242500.

Submission:

Diagnostics Services (NGS), CSIR - Centre For Cellular And Molecular Biology
Classification: Uncertain significance for Autosomal recessive congenital ichthyosis 4B. Last evaluated: 2023-01-31. Review status: criteria provided, single submitter. Criteria: ACMG Guidelines, 2015. Collection method: clinical testing. Allele origin: unknown. Affected: no. Observed: 2 variant alleles, 2 heterozygotes.
Comment: The c.7104+5G>A variant was identified as a part of carrier screening in a couple. The variant is not present in publicly available population databases like 1000 Genomes, EVS, ExAC, gnomAD, Indian Exome Database or our in-house exome database. This variant was neither published in literature nor reported to clinical databases like ClinVar, Human Genome Mutation Database (HGMD) or OMIM, in any affected individuals. In silico pathogenicity prediction programs like MutationTaster2, CADD etc predicted this variant to be likely deleterious. Algorithms to predict the effect of variants in splicing of mRNA, predicted this variant to potentially affect splicing by alteration of the wild-type donor site, however these predictions were not confirmed by published functional/transnational studies.